The following is an entry in ClinVar:

NM_024120.5(NDUFAF5):c.827G>A (p.Arg276Gln)

Gene: NDUFAF5 (NADH:ubiquinone oxidoreductase complex assembly factor 5; plus strand). Cytogenetic location: 20p12.1.
Variant type: single nucleotide variant.
Coding change: c.827G>A on transcript NM_024120.5 (MANE Select); coding-DNA position 827, G replaced by A.
Protein change: p.Arg276Gln; replaces arginine 276 with glutamine.
Molecular consequence: missense variant. On other transcripts: non-coding transcript variant (7).
Genome position (GRCh38, 1-based): chr20:13,816,511, G>A. VCF-style: chr20-13816511-G-A. GRCh37 (hg19) VCF-style: chr20-13797157-G-A.
Other names: c.743G>A, p.Arg248Gln (NM_001039375.3); c.356G>A, p.Arg119Gln (NM_001352403.2); c.266G>A, p.Arg89Gln (NM_001352406.2, NM_001352407.2); short protein forms R119Q, R248Q, R276Q, R89Q.
Identifiers: ClinVar variation 2581631 (VCV002581631.7), dbSNP rs765428922, ClinGen allele CA311399494.

ClinVar aggregate classification (germline): Conflicting classifications of pathogenicity. Review status: criteria provided, conflicting classifications (1 of 4 stars). 5 submissions from 5 submitters: Likely pathogenic (4); Uncertain significance (1). Last evaluated 2025-05-29.

Conditions:
Mitochondrial complex I deficiency. Also called: NADH:Q(1) OXIDOREDUCTASE DEFICIENCY. Identifiers: Orphanet 2609, MedGen C1838979, MeSH C537475, MONDO:0100133.
Mitochondrial complex I deficiency, nuclear type 16. Also called: Mitochondrial complex 1 deficiency, nuclear type 16. Identifiers: MedGen C4748785, MONDO:0032621, OMIM 618238.

Allele frequency attached by ClinVar (database versions not stated): gnomAD 0.00001; TOPMed 0.00002; gnomAD exomes 0.00003.
gnomAD v4.1: 40 of 1,613,948 alleles (0.0025%); highest among the groups gnomAD compares: East Asian, 0.038%; no homozygotes.

Submissions (5):

Dasa
Classification: Likely pathogenic for Mitochondrial complex I deficiency, nuclear type 16. Last evaluated: 2025-05-29. Review status: criteria provided, single submitter. Criteria: DASA Assertion Criteria. Collection method: clinical testing. Allele origin: germline.
Comment: NM_024120.5(NDUFAF5):c.827G>A (p.Arg276Gln) is a missense variant that results in the substitution of arginine with glutamine. This variant has been recurrently observed in individuals with NDUFAF5-related disorders (PMID: 32918965; PMID: 34732400). Also, this variant is rare in population databases. Computational evidence supports a deleterious effect. Based on the currently available evidence, this variant is classified as likely pathogenic.

Natera, Inc.
Classification: Likely pathogenic for Mitochondrial complex I deficiency. Last evaluated: 2025-02-06. Review status: criteria provided, single submitter. Criteria: Natera Variant Classification Schema (03/2026). Collection method: clinical testing. Allele origin: germline.
Comment: The c.827G>A variant in NDUFAF5 is a missense variant predicted to cause substitution of arginine to glutamine at amino acid 276. This variant is rare in the general population with a frequency below the threshold expected for the associated phenotype(s). This variant has been observed in one or more individuals affected with the associated recessive disease, as either homozygous or compound heterozygous with a second variant (PMID: 32918965, 39675204, 34732400). Computational prediction algorithms indicate this variant is likely to affect gene or protein function. Given the available evidence, this variant is classified as Likely Pathogenic.

Baylor Genetics
Classification: Likely pathogenic for Mitochondrial complex I deficiency, nuclear type 16. Last evaluated: 2024-03-12. Review status: criteria provided, single submitter. Criteria: ACMG Guidelines, 2015. Collection method: clinical testing. Allele origin: unknown.

Fulgent Genetics
Classification: Likely pathogenic for Mitochondrial complex I deficiency, nuclear type 16. Last evaluated: 2024-02-15. Review status: criteria provided, single submitter. Criteria: ACMG Guidelines, 2015. Collection method: clinical testing. Allele origin: germline.

Women's Health and Genetics/Laboratory Corporation of America, LabCorp
Classification: Uncertain significance. Last evaluated: 2023-08-01. Review status: criteria provided, single submitter. Criteria: LabCorp Variant Classification Summary - May 2015. Collection method: clinical testing. Allele origin: germline.
Comment: Variant summary: NDUFAF5 c.827G>A (p.Arg276Gln) results in a conservative amino acid change in the encoded protein sequence. Four of five in-silico tools predict a damaging effect of the variant on protein function. The variant was absent in 251324 control chromosomes (gnomAD). The available data on variant occurrences in the general population are insufficient to allow any conclusion about variant significance. c.827G>A has been reported in the literature in individuals affected with Leber hereditary optic neuropathy and unspecified mitochondrial disease (examples: Mansukhani_2021 and Schon_2021). These data do not allow any conclusion about variant significance. To our knowledge, no experimental evidence demonstrating an impact on protein function has been reported. The following publications have been ascertained in the context of this evaluation (PMID: 32918965, 34732400). No submitters have cited clinical-significance assessments for this variant to ClinVar after 2014. Based on the evidence outlined above, the variant was classified as uncertain significance.

Literature cited by the submitters: PubMed 32918965 (cited by 3 submitters); PubMed 34732400 (cited by 3 submitters); PubMed 39675204 (cited by Natera, Inc.).